The following is an entry in ClinVar:

ClinVar aggregate classification (germline): Likely pathogenic (1 of 4 stars; one submission).

Submission:

Labcorp Genetics (formerly Invitae), Labcorp
Classification: Likely pathogenic. Last evaluated: 2021-07-10. Review status: criteria provided, single submitter. Criteria: Invitae Variant Classification Sherloc (09022015). Collection method: clinical testing. Allele origin: germline.
Comment: This sequence change affects a splice site in intron 42 of the COL4A5 gene. It is expected to disrupt RNA splicing. Variants that disrupt the donor or acceptor splice site typically lead to a loss of protein function (PMID: 16199547), and loss-of-function variants in COL4A5 are known to be pathogenic (PMID: 9195222, 10752524, 14514738, 24854265, 26809805). This variant is not present in population databases (ExAC no frequency). This variant has not been reported in the literature in individuals with COL4A5-related conditions. Nucleotide substitutions within the consensus splice site are a relatively common cause of aberrant splicing (PMID: 17576681, 9536098). Algorithms developed to predict the effect of sequence changes on RNA splicing suggest that this variant may disrupt the consensus splice site, but this prediction has not been confirmed by published transcriptional studies. In summary, the currently available evidence indicates that the variant is pathogenic, but additional data are needed to prove that conclusively. Therefore, this variant has been classified as Likely Pathogenic.

Literature cited by the submitters: PubMed 16199547; PubMed 9195222; PubMed 10752524; PubMed 14514738; PubMed 24854265; PubMed 26809805; PubMed 17576681; PubMed 9536098.

NM_033380.3(COL4A5):c.3942_3942+1del

Gene: COL4A5 (collagen type IV alpha 5 chain; plus strand). Cytogenetic location: Xq22.3.
Variant type: Deletion.
Coding change: c.3942_3942+1del on transcript NM_033380.3 (MANE Select); coding-DNA position 3942 through the canonical splice donor site of the intron after coding-DNA position 3942, 2 bases deleted (GG; older notation c.3942_3942+1delGG).
Molecular consequence: splice donor variant.
Genome position (GRCh38, 1-based): chrX:108,677,633-108,677,634, GG deleted. VCF-style (leftmost placement, unchanged base first): chrX-108677632-AGG-A. GRCh37 (hg19) VCF-style: chrX-107920862-AGG-A.
Other names: c.3924_3924+1del (NM_000495.5).
Identifiers: ClinVar variation 1479462 (VCV001479462.6), dbSNP rs2147975210, ClinGen allele CA2573159120.
Genomic context (GRCh38, chrX:108,677,632, plus strand): 5'-GCCAACCTGGGCTACCTGGCTTGCCTGGTTTGAAAGGAGATCAAGGACCACCAGGACTCC[AGG>A]TAGGAAATGGAAGTAGATATCTGATGAGAGAAGAATGTGGGTGTTTGTATTCAAAATGTG-3'